The following is an entry in ClinVar:

NM_001242896.3(DEPDC5):c.1287+4G>C

Gene: DEPDC5 (DEP domain containing 5, GATOR1 subcomplex subunit; plus strand). Cytogenetic location: 22q12.3.
Variant type: single nucleotide variant.
Coding change: c.1287+4G>C on transcript NM_001242896.3 (MANE Select); 4 bases into the intron after coding-DNA position 1287, G replaced by C.
Molecular consequence: intron variant.
Genome position (GRCh38, 1-based): chr22:31,806,195, G>C. VCF-style: chr22-31806195-G-C. GRCh37 (hg19) VCF-style: chr22-32202181-G-C.
Other names: c.1287+4G>C (NM_001364318.2, NM_001136029.4, NM_014662.6 and 7 more transcripts); c.1203+4G>C (NM_001369902.1, NM_001369901.1).
Identifiers: ClinVar variation 2986837 (VCV002986837.3), dbSNP rs1297434596, ClinGen allele CA2740094818.

ClinVar aggregate classification (germline): Uncertain significance (1 of 4 stars; one submission).

Conditions:
Familial focal epilepsy with variable foci (FPEVF). Identifiers: Orphanet 98820, MedGen C1858477, MONDO:0020310.

Submission:

Labcorp Genetics (formerly Invitae), Labcorp
Classification: Uncertain significance for Familial focal epilepsy with variable foci. Last evaluated: 2023-02-18. Review status: criteria provided, single submitter. Criteria: Invitae Variant Classification Sherloc (09022015). Collection method: clinical testing. Allele origin: germline.
Comment: This sequence change falls in intron 18 of the DEPDC5 gene. It does not directly change the encoded amino acid sequence of the DEPDC5 protein. It affects a nucleotide within the consensus splice site. In summary, the available evidence is currently insufficient to determine the role of this variant in disease. Therefore, it has been classified as a Variant of Uncertain Significance. Variants that disrupt the consensus splice site are a relatively common cause of aberrant splicing (PMID: 17576681, 9536098). Algorithms developed to predict the effect of sequence changes on RNA splicing suggest that this variant is not likely to affect RNA splicing. This variant has not been reported in the literature in individuals affected with DEPDC5-related conditions. This variant is not present in population databases (gnomAD no frequency).

Literature cited by the submitters: PubMed 17576681; PubMed 9536098.